The following is an entry in ClinVar:

NM_000292.3(PHKA2):c.3187C>T (p.Arg1063Trp)

Gene: PHKA2 (phosphorylase kinase regulatory subunit alpha 2; minus strand). Cytogenetic location: Xp22.13.
Variant type: single nucleotide variant.
Coding change: c.3187C>T on transcript NM_000292.3 (MANE Select); coding-DNA position 3187, C replaced by T.
Protein change: p.Arg1063Trp; replaces arginine 1063 with tryptophan.
Molecular consequence: missense variant.
Genome position (GRCh38, 1-based): chrX:18,897,258, G>A on the plus strand (C>T on the coding strand, the complement: PHKA2 is on the minus strand). VCF-style: chrX-18897258-G-A. GRCh37 (hg19) VCF-style: chrX-18915376-G-A.
Other names: short protein forms R1063W.
Identifiers: ClinVar variation 3673378 (VCV003673378.2).

ClinVar aggregate classification (germline): Uncertain significance (1 of 4 stars; one submission).

Conditions:
Glycogen storage disease IXa1. Also called: GLYCOGEN STORAGE DISEASE VIII; GSD VIII; LIVER GLYCOGENOSIS, X-LINKED, TYPE I; Glycogen storage disease 8. Identifiers: Orphanet 264580, MedGen C3694531, MONDO:0010598, OMIM 306000.

gnomAD v4.1: 1 of 1,210,264 alleles (0.000083%); highest among the groups gnomAD compares: Non-Finnish European, 0.00011%; no homozygotes.

Submission:

Labcorp Genetics (formerly Invitae), Labcorp
Classification: Uncertain significance for Glycogen storage disease IXa1. Last evaluated: 2025-01-15. Review status: criteria provided, single submitter. Criteria: Invitae Variant Classification Sherloc (09022015). Collection method: clinical testing. Allele origin: germline.
Comment: This sequence change replaces arginine, which is basic and polar, with tryptophan, which is neutral and slightly polar, at codon 1063 of the PHKA2 protein (p.Arg1063Trp). This variant is not present in population databases (gnomAD no frequency). This variant has not been reported in the literature in individuals affected with PHKA2-related conditions. Invitae Evidence Modeling of protein sequence and biophysical properties (such as structural, functional, and spatial information, amino acid conservation, physicochemical variation, residue mobility, and thermodynamic stability) has been performed for this missense variant. However, the output from this modeling did not meet the statistical confidence thresholds required to predict the impact of this variant on PHKA2 protein function. In summary, the available evidence is currently insufficient to determine the role of this variant in disease. Therefore, it has been classified as a Variant of Uncertain Significance.